The following is an entry in ClinVar:

NM_020774.4(MIB1):c.4A>G (p.Ser2Gly)

Genes: MIB1 (MIB E3 ubiquitin protein ligase 1; plus strand), LOC130062254 (ATAC-STARR-seq lymphoblastoid silent region 9344; plus strand). Cytogenetic location: 18q11.2.
Variant type: single nucleotide variant.
Coding change: c.4A>G on transcript NM_020774.4 (MANE Select); coding-DNA position 4, A replaced by G.
Protein change: p.Ser2Gly; replaces serine 2 with glycine.
Molecular consequence: missense variant.
Genome position (GRCh38, 1-based): chr18:21,741,587, A>G. VCF-style: chr18-21741587-A-G. GRCh37 (hg19) VCF-style: chr18-19321548-A-G.
Other names: short protein forms S2G.
Identifiers: ClinVar variation 1200890 (VCV001200890.6), dbSNP rs780532174, ClinGen allele CA8907902.

ClinVar aggregate classification (germline): Uncertain significance. Review status: criteria provided, single submitter (1 of 4 stars). 3 submissions from 3 submitters: Uncertain significance (1). 2 of the submissions do not count toward it. Last evaluated 2020-01-22.

Allele frequency attached by ClinVar (database versions not stated): gnomAD 0.00001 and 0.00057; gnomAD exomes 0.00001 and 0.00003; ExAC 0.00004; TOPMed 0.00068.
gnomAD v4.1: 92 of 1,509,580 alleles (0.0061%); highest among the groups gnomAD compares: Non-Finnish European, 0.00088%; 2 homozygotes.

Submissions (3):

GeneDx
Classification: Uncertain significance. Last evaluated: 2020-01-22. Review status: criteria provided, single submitter. Criteria: GeneDx Variant Classification Process June 2021. Collection method: clinical testing. Allele origin: germline. Affected: yes.
Comment: Not observed at a significant frequency in large population cohorts (Lek et al., 2016); In silico analysis, which includes protein predictors and evolutionary conservation, supports that this variant does not alter protein structure/function; Has not been previously published as pathogenic or benign to our knowledge; This variant is associated with the following publications: (PMID: 32880476)

Clinical Genetics, Academic Medical Center
Classification: Uncertain significance. Review status: no assertion criteria provided. Collection method: clinical testing. Allele origin: germline. Affected: yes. Study: VKGL Data-share Consensus. Not counted in ClinVar's aggregate classification.

Joint Genome Diagnostic Labs from Nijmegen and Maastricht, Radboudumc and MUMC+
Classification: Uncertain significance. Review status: no assertion criteria provided. Collection method: clinical testing. Allele origin: germline. Affected: yes. Study: VKGL Data-share Consensus. Not counted in ClinVar's aggregate classification.